The following is an entry in ClinVar:

NM_001382567.1(STIM1):c.818G>A (p.Arg273His)

Gene: STIM1 (stromal interaction molecule 1; plus strand). Cytogenetic location: 11p15.4.
Variant type: single nucleotide variant.
Coding change: c.818G>A on transcript NM_001382567.1 (MANE Select); coding-DNA position 818, G replaced by A.
Protein change: p.Arg273His; replaces arginine 273 with histidine.
Molecular consequence: missense variant.
Genome position (GRCh38, 1-based): chr11:4,074,528, G>A. VCF-style: chr11-4074528-G-A. GRCh37 (hg19) VCF-style: chr11-4095758-G-A.
Other names: c.818G>A, p.Arg273His (NM_001277961.3, NM_001277962.2, NM_001382568.1 and 2 more transcripts); c.596G>A, p.Arg199His (NM_001382566.1, NM_001382573.1, NM_001382574.1 and 5 more transcripts); c.683G>A, p.Arg228His (NM_001382569.1); c.590G>A, p.Arg197His (NM_001382570.1); c.338G>A, p.Arg113His (NM_001382571.1); c.329G>A, p.Arg110His (NM_001382580.1, NM_001382581.1); short protein forms R273H, R110H, R113H, R197H, R199H, R228H.
Identifiers: ClinVar variation 657193 (VCV000657193.10), dbSNP rs765987346, ClinGen allele CA5830339.

ClinVar aggregate classification (germline): Uncertain significance (1 of 4 stars; one submission).

Conditions:
Combined immunodeficiency due to STIM1 deficiency. Also called: STIM1 DEFICIENCY; IMMUNODEFICIENCY 10. Identifiers: Orphanet 169090, Orphanet 317430, MedGen C2748557, MONDO:0013008, OMIM 612783.
Myopathy with tubular aggregates (TAM). Also called: Tubular Aggregate Myopathy. Identifiers: Orphanet 2593, MedGen C0410207, MONDO:0008051.
Stormorken syndrome (STRMK). Also called: THROMBOCYTOPATHY, ASPLENIA, AND MIOSIS. Identifiers: Orphanet 3204, MedGen C1861451, MONDO:0008497, OMIM 185070.

Allele frequency attached by ClinVar (database versions not stated): gnomAD exomes below 0.00001; TOPMed below 0.00001; gnomAD 0.00001; ExAC 0.00002.
gnomAD v4.1: 6 of 1,613,884 alleles (0.00037%); highest among the groups gnomAD compares: East Asian, 0.0022%; no homozygotes.

Submission:

Labcorp Genetics (formerly Invitae), Labcorp
Classification: Uncertain significance for Myopathy with tubular aggregates; Combined immunodeficiency due to STIM1 deficiency; Stormorken syndrome. Last evaluated: 2022-11-08. Review status: criteria provided, single submitter. Criteria: Invitae Variant Classification Sherloc (09022015). Collection method: clinical testing. Allele origin: germline.
Comment: In summary, the available evidence is currently insufficient to determine the role of this variant in disease. Therefore, it has been classified as a Variant of Uncertain Significance. Algorithms developed to predict the effect of missense changes on protein structure and function (SIFT, PolyPhen-2, Align-GVGD) all suggest that this variant is likely to be tolerated. ClinVar contains an entry for this variant (Variation ID: 657193). This variant has not been reported in the literature in individuals affected with STIM1-related conditions. This variant is present in population databases (rs765987346, gnomAD 0.002%). This sequence change replaces arginine, which is basic and polar, with histidine, which is basic and polar, at codon 273 of the STIM1 protein (p.Arg273His).